The following is an entry in ClinVar:

NM_024411.5(PDYN):c.600T>C (p.His200=)

Genes: PDYN-AS1 (PDYN antisense RNA 1; plus strand), PDYN (prodynorphin; minus strand). Cytogenetic location: 20p13.
Variant type: single nucleotide variant.
Coding change: c.600T>C on transcript NM_024411.5 (MANE Select); coding-DNA position 600, T replaced by C.
Protein change: p.His200=; no amino-acid change (histidine 200 retained).
Molecular consequence: synonymous variant.
Genome position (GRCh38, 1-based): chr20:1,980,488, A>G on the plus strand (T>C on the coding strand, the complement: PDYN is on the minus strand). VCF-style: chr20-1980488-A-G. GRCh37 (hg19) VCF-style: chr20-1961134-A-G.
Other names: p.His200=; c.600T>C, p.His200= (NM_001190892.1, NM_001190898.3, NM_001190899.2 and 1 more transcripts).
Identifiers: ClinVar variation 337834 (VCV000337834.18), dbSNP rs6045819, ClinGen allele CA9730260.

ClinVar aggregate classification (germline): Benign. Review status: criteria provided, multiple submitters, no conflicts (2 of 4 stars). 9 submissions from 9 submitters: Benign (8). 1 of the submissions does not count toward it. Last evaluated 2026-02-02.

Conditions:
Spinocerebellar ataxia type 23 (SCA23). Identifiers: Orphanet 101108, MedGen C1853250, MONDO:0012449, OMIM 610245.

Allele frequency attached by ClinVar (database versions not stated): 1000 Genomes Project 0.13019; 1000 Genomes Project 30x 0.13819; gnomAD 0.15492 and 0.16142; TOPMed 0.16506; ESP Exome Variant Server 0.17300.
gnomAD v4.1: 191,853 of 1,613,502 alleles (12%); highest among the groups gnomAD compares: African/African-American, 28%; 13,351 homozygotes.

Submissions (9):

Labcorp Genetics (formerly Invitae), Labcorp
Classification: Benign. Last evaluated: 2026-02-02. Review status: criteria provided, single submitter. Criteria: Invitae Variant Classification Sherloc (09022015). Collection method: clinical testing. Allele origin: germline.

GeneDx
Classification: Benign. Last evaluated: 2021-05-04. Review status: criteria provided, single submitter. Criteria: GeneDx Variant Classification Process June 2021. Collection method: clinical testing. Allele origin: germline. Affected: yes.

Athena Diagnostics
Classification: Benign. Last evaluated: 2019-09-20. Review status: criteria provided, single submitter. Criteria: Athena Diagnostics Criteria. Collection method: clinical testing. Allele origin: unknown.

Illumina Laboratory Services, Illumina
Classification: Benign for Spinocerebellar ataxia type 23. Last evaluated: 2018-01-12. Review status: criteria provided, single submitter. Criteria: ICSL Variant Classification Criteria 13 December 2019. Collection method: clinical testing. Allele origin: germline.
Comment: This variant was observed in the ICSL laboratory as part of a predisposition screen in an ostensibly healthy population. It had not been previously curated by ICSL or reported in the Human Gene Mutation Database (HGMD: prior to June 1st, 2018), and was therefore a candidate for classification through an automated scoring system. Utilizing variant allele frequency, disease prevalence and penetrance estimates, and inheritance mode, an automated score was calculated to assess if this variant is too frequent to cause the disease. Based on the score and internal cut-off values, a variant classified as benign is not then subjected to further curation. The score for this variant resulted in a classification of benign for this disease.

Mayo Clinic Laboratories, Mayo Clinic
Classification: Benign. Last evaluated: 2017-08-21. Review status: criteria provided, single submitter. Criteria: ACMG Guidelines, 2015. Collection method: clinical testing. Allele origin: germline. Observed: 408 variant alleles.

Clinical Genetics DNA and cytogenetics Diagnostics Lab, Erasmus MC, Erasmus Medical Center
Classification: Benign for Spinocerebellar ataxia type 23. Last evaluated: 2015-09-21. Review status: criteria provided, single submitter. Criteria: ACGS Guidelines, 2013. Collection method: clinical testing. Allele origin: germline. Affected: yes. Study: VKGL Data-share Consensus.

Genome Diagnostics Laboratory, University Medical Center Utrecht
Classification: Benign for Spinocerebellar ataxia type 23. Last evaluated: 2014-10-10. Review status: criteria provided, single submitter. Criteria: ACGS Guidelines, 2013. Collection method: clinical testing. Allele origin: germline. Affected: yes. Study: VKGL Data-share Consensus.

Breakthrough Genomics
Classification: Benign. Review status: criteria provided, single submitter. Criteria: ACMG Guidelines, 2015. Collection method: not provided. Allele origin: germline. Inheritance: Autosomal dominant inheritance. Affected: yes.

Diagnostic Laboratory, Department of Genetics, University Medical Center Groningen
Classification: Benign for Spinocerebellar ataxia type 23. Review status: no assertion criteria provided. Collection method: clinical testing. Allele origin: germline. Affected: yes. Study: VKGL Data-share Consensus. Not counted in ClinVar's aggregate classification.